The following is an entry in ClinVar:

NM_014855.3(AP5Z1):c.2086del (p.Gln696fs)

Gene: AP5Z1 (adaptor related protein complex 5 subunit zeta 1; plus strand). Cytogenetic location: 7p22.1.
Variant type: Deletion.
Coding change: c.2086del on transcript NM_014855.3 (MANE Select); coding-DNA position 2086, one base deleted (C; older notation c.2086delC).
Protein change: p.Gln696fs; shifts the reading frame from glutamine 696.
Molecular consequence: frameshift variant. On other transcripts: non-coding transcript variant (1).
Genome position (GRCh38, 1-based): chr7:4,790,820, C deleted; the last of 7 consecutive C bases (chr7:4,790,814-4,790,820); deleting any one gives the same sequence. VCF-style (leftmost placement, unchanged base first): chr7-4790813-TC-T. GRCh37 (hg19) VCF-style: chr7-4830444-TC-T.
Other names: c.1618del, p.Gln540fs (NM_001364858.1); short protein forms Q696fs, Q540fs.
Identifiers: ClinVar variation 4738340 (VCV004738340.2).
Genomic context (GRCh38, chr7:4,790,813, plus strand): 5'-CCTGGAGGCTCTGCTATTCGAGGTCACCCAGTGCCGCCCCTCTGCTGCCCTGCCCAGGTG[TC>T]CCCCCCAGGTGGTCACCGTGCTGATGACCACGCTGACGAAGCTGGCCTCCCGGAGCCAAG-3'

ClinVar aggregate classification (germline): Pathogenic/Likely pathogenic. Review status: criteria provided, multiple submitters, no conflicts (2 of 4 stars). 2 submissions from 2 submitters: Pathogenic (1); Likely pathogenic (1). Last evaluated 2025-12-29.

Conditions:
Hereditary spastic paraplegia 48. Also called: SPASTIC PARAPLEGIA 48, AUTOSOMAL RECESSIVE; Spastic paraplegia 48. Identifiers: Orphanet 306511, MedGen C3150901, MONDO:0013342, OMIM 613647.

Submissions (2):

First Genomix Gene Laboratory, Genetic Diagnostics Department
Classification: Likely pathogenic for Hereditary spastic paraplegia 48. Last evaluated: 2025-12-29. Review status: criteria provided, single submitter. Criteria: ACMG Guidelines, 2015. Collection method: clinical testing. Allele origin: germline. Inheritance: Autosomal recessive inheritance. Affected: no. Observed: 1 variant allele.

Labcorp Genetics (formerly Invitae), Labcorp
Classification: Pathogenic for Hereditary spastic paraplegia 48. Last evaluated: 2025-10-27. Review status: criteria provided, single submitter. Criteria: Invitae Variant Classification Sherloc (09022015). Collection method: clinical testing. Allele origin: germline.
Comment: This sequence change creates a premature translational stop signal (p.Gln696Argfs*6) in the AP5Z1 gene. It is expected to result in an absent or disrupted protein product. Loss-of-function variants in AP5Z1 are known to be pathogenic (PMID: 20613862, 27606357). The frequency data for this variant in the population databases is considered unreliable, as metrics indicate poor data quality at this position in the gnomAD database. This variant has not been reported in the literature in individuals affected with AP5Z1-related conditions. For these reasons, this variant has been classified as Pathogenic.

Literature cited by the submitters: PubMed 20613862 (cited by Labcorp Genetics (formerly Invitae), Labcorp); PubMed 27606357 (cited by Labcorp Genetics (formerly Invitae), Labcorp).